The following is an entry in ClinVar:

ClinVar aggregate classification (germline): Uncertain significance (1 of 4 stars; one submission).

Allele frequency attached by ClinVar (database versions not stated): gnomAD exomes below 0.00001; TOPMed 0.00001.
gnomAD v4.1: 4 of 1,611,212 alleles (0.00025%); highest among the groups gnomAD compares: Non-Finnish European, 0.00034%; no homozygotes.

Submission:

Labcorp Genetics (formerly Invitae), Labcorp
Classification: Uncertain significance. Last evaluated: 2025-09-08. Review status: criteria provided, single submitter. Criteria: Invitae Variant Classification Sherloc (09022015). Collection method: clinical testing. Allele origin: germline.
Comment: This sequence change replaces glutamic acid, which is acidic and polar, with glycine, which is neutral and non-polar, at codon 274 of the RPSA protein (p.Glu274Gly). This variant is not present in population databases (gnomAD no frequency). This variant has not been reported in the literature in individuals affected with RPSA-related conditions. ClinVar contains an entry for this variant (Variation ID: 2960367). An algorithm developed to predict the effect of missense changes on protein structure and function (PolyPhen-2) suggests that this variant is likely to be tolerated. Algorithms developed to predict the effect of sequence changes on RNA splicing suggest that this variant may disrupt the consensus splice site. In summary, the available evidence is currently insufficient to determine the role of this variant in disease. Therefore, it has been classified as a Variant of Uncertain Significance.

NM_002295.6(RPSA):c.821A>G (p.Glu274Gly)

Gene: RPSA (ribosomal protein SA; plus strand). Cytogenetic location: 3p22.1.
Variant type: single nucleotide variant.
Coding change: c.821A>G on transcript NM_002295.6 (MANE Select); coding-DNA position 821, A replaced by G.
Protein change: p.Glu274Gly; replaces glutamic acid 274 with glycine.
Molecular consequence: missense variant.
Genome position (GRCh38, 1-based): chr3:39,412,301, A>G. VCF-style: chr3-39412301-A-G. GRCh37 (hg19) VCF-style: chr3-39453792-A-G.
Other names: c.821A>G, p.Glu274Gly (NM_001012321.1); c.836A>G, p.Glu279Gly (NM_001304288.2); short protein forms E274G, E279G.
Identifiers: ClinVar variation 2960367 (VCV002960367.3), dbSNP rs1195725996, ClinGen allele CA352214991.